The following is an entry in ClinVar:

ClinVar aggregate classification (germline): Pathogenic (1 of 4 stars; one submission).

Submission:

GeneDx
Classification: Pathogenic. Last evaluated: 2021-06-19. Review status: criteria provided, single submitter. Criteria: GeneDx Variant Classification Process June 2021. Collection method: clinical testing. Allele origin: germline. Affected: yes.
Comment: Canonical splice site variant predicted to result in a null allele in a gene for which loss-of-function is a known mechanism of disease; Not observed in large population cohorts (Lek et al., 2016); Has not been previously published as pathogenic or benign to our knowledge; This variant is associated with the following publications: (PMID: 27535533)

NM_001385012.1(NBEA):c.5649-1G>A

Gene: NBEA (neurobeachin; plus strand). Cytogenetic location: 13q13.3.
Variant type: single nucleotide variant.
Coding change: c.5649-1G>A on transcript NM_001385012.1 (MANE Select); the canonical splice acceptor site of the intron before coding-DNA position 5649, G replaced by A.
Molecular consequence: splice acceptor variant.
Genome position (GRCh38, 1-based): chr13:35,232,491, G>A. VCF-style: chr13-35232491-G-A. GRCh37 (hg19) VCF-style: chr13-35806628-G-A.
Other names: c.5649-1G>A (NM_015678.5); c.5640-1G>A (NM_001379245.1).
Identifiers: ClinVar variation 1206892 (VCV001206892.3), dbSNP rs2152770696, ClinGen allele CA387840366.